The following is an entry in ClinVar:

ClinVar aggregate classification (germline): Uncertain significance (1 of 4 stars; one submission).

Submission:

Women's Health and Genetics/Laboratory Corporation of America, LabCorp
Classification: Uncertain significance. Last evaluated: 2024-05-29. Review status: criteria provided, single submitter. Criteria: LabCorp Variant Classification Summary - May 2015. Collection method: clinical testing. Allele origin: germline.
Comment: Variant summary: SLC25A15 c.824G>C (p.Arg275Pro) results in a non-conservative amino acid change in the encoded protein sequence. Five of five in-silico tools predict a damaging effect of the variant on protein function. The variant was absent in 251140 control chromosomes. The available data on variant occurrences in the general population are insufficient to allow any conclusion about variant significance. To our knowledge, no occurrence of c.824G>C in individuals affected with Hyperornithinemia-Hyperammonemia-Homocitrullinuria Syndrome and no experimental evidence demonstrating its impact on protein function have been reported. No submitters have cited clinical-significance assessments for this variant to ClinVar. Based on the evidence outlined above, the variant was classified as uncertain significance.

NM_014252.4(SLC25A15):c.824G>C (p.Arg275Pro)

Gene: SLC25A15 (solute carrier family 25 member 15; plus strand). Cytogenetic location: 13q14.11.
Variant type: single nucleotide variant.
Coding change: c.824G>C on transcript NM_014252.4 (MANE Select); coding-DNA position 824, G replaced by C.
Protein change: p.Arg275Pro; replaces arginine 275 with proline.
Molecular consequence: missense variant.
Genome position (GRCh38, 1-based): chr13:40,809,585, G>C. VCF-style: chr13-40809585-G-C. GRCh37 (hg19) VCF-style: chr13-41383721-G-C.
Other names: short protein forms R275P.
Identifiers: ClinVar variation 3336134 (VCV003336134.1).